The following is an entry in ClinVar:

NM_004360.5(CDH1):c.-33G>T

Genes: CDH1 (cadherin 1; plus strand), LOC130059290 (ATAC-STARR-seq lymphoblastoid silent region 7650; plus strand). Cytogenetic location: 16q22.1.
Variant type: single nucleotide variant.
Coding change: c.-33G>T on transcript NM_004360.5 (MANE Select); 33 bases upstream of the start codon, G replaced by T.
Molecular consequence: 5 prime UTR variant.
Genome position (GRCh38, 1-based): chr16:68,737,383, G>T. VCF-style: chr16-68737383-G-T. GRCh37 (hg19) VCF-style: chr16-68771286-G-T.
Other names: c.-33G>T (LRG_301t1, NM_001317184.2); c.-1648G>T (NM_001317185.2); c.-1852G>T (NM_001317186.2).
Identifiers: ClinVar variation 509746 (VCV000509746.1), dbSNP rs1343572338, ClinGen allele CA623139889.
Genomic context (GRCh38, chr16:68,737,383, plus strand): 5'-CTTGCGGAAGTCAGTTCAGACTCCAGCCCGCTCCAGCCCGGCCCGACCCGACCGCACCCG[G>T]CGCCTGCCCTCGCTCGGCGTCCCCGGCCAGCCATGGGCCCTTGGAGCCGCAGCCTCTCGG-3'

ClinVar aggregate classification (germline): Likely benign (1 of 4 stars; one submission).

Allele frequency attached by ClinVar (database versions not stated): gnomAD exomes below 0.00001.
gnomAD v4.1: 5 of 1,527,714 alleles (0.00033%); highest among the groups gnomAD compares: Non-Finnish European, 0.00044%; no homozygotes.

Submission:

GeneDx
Classification: Likely benign. Last evaluated: 2017-05-22. Review status: criteria provided, single submitter. Criteria: GeneDx Variant Classification (06012015). Collection method: clinical testing. Allele origin: germline. Affected: yes.
Comment: This variant is considered likely benign or benign based on one or more of the following criteria: it is a conservative change, it occurs at a poorly conserved position in the protein, it is predicted to be benign by multiple in silico algorithms, and/or has population frequency not consistent with disease.